The following is an entry in ClinVar:

ClinVar aggregate classification (germline): Uncertain significance (1 of 4 stars; one submission).

gnomAD v4.1: 1 of 1,614,176 alleles (0.000062%); highest among the groups gnomAD compares: African/African-American, 0.0013%; no homozygotes.

Submission:

Ambry Genetics
Classification: Uncertain significance. Last evaluated: 2026-06-18. Review status: criteria provided, single submitter. Criteria: Ambry Variant Classification Scheme 2023. Collection method: clinical testing. Allele origin: germline.
Comment: The p.R172M variant (also known as c.515G>T), located in coding exon 1 of the MLH3 gene, results from a G to T substitution at nucleotide position 515. The arginine at codon 172 is replaced by methionine, an amino acid with similar properties. This amino acid position is conserved. In addition, this alteration is predicted to be deleterious by in silico analysis. Based on the available evidence, the clinical significance of this variant remains unclear.

NM_001040108.2(MLH3):c.515G>T (p.Arg172Met)

Gene: MLH3 (mutL homolog 3; minus strand). Cytogenetic location: 14q24.3.
Variant type: single nucleotide variant.
Coding change: c.515G>T on transcript NM_001040108.2 (MANE Select); coding-DNA position 515, G replaced by T.
Protein change: p.Arg172Met; replaces arginine 172 with methionine.
Molecular consequence: missense variant.
Genome position (GRCh38, 1-based): chr14:75,049,141, C>A on the plus strand (G>T on the coding strand, the complement: MLH3 is on the minus strand). VCF-style: chr14-75049141-C-A. GRCh37 (hg19) VCF-style: chr14-75515844-C-A.
Other names: c.515G>T, p.Arg172Met (NM_014381.3); short protein forms R172M.
Identifiers: ClinVar variation 5024571 (VCV005024571.1).
Genomic context (GRCh38, chr14:75,049,141, plus strand): 5'-TCATTTCTCAAAGAGAAAGAAATGGAAGGGTGCATGAGTGAGAGAGCTTCTATTCTCTGC[C>A]TAACCTTCTCAAACTCCAGTCTAGGGTCCATGCATTTCCTCCTTACAGGAAGCTGGTAAA-3'
Protein context (NP_001035197.1, residues 162-182): MDPRLEFEKV[Arg172Met]QRIEALSLMH